The following is an entry in ClinVar:

NM_032043.3(BRIP1):c.628-20G>A

Gene: BRIP1 (BRCA1 interacting DNA helicase 1; minus strand). Cytogenetic location: 17q23.2.
Variant type: single nucleotide variant.
Coding change: c.628-20G>A on transcript NM_032043.3 (MANE Select); 20 bases into the intron before coding-DNA position 628, G replaced by A.
Molecular consequence: intron variant.
Genome position (GRCh38, 1-based): chr17:61,808,777, C>T on the plus strand (G>A on the coding strand, the complement: BRIP1 is on the minus strand). VCF-style: chr17-61808777-C-T. GRCh37 (hg19) VCF-style: chr17-59886138-C-T.
Identifiers: ClinVar variation 377590 (VCV000377590.14), dbSNP rs533827333, ClinGen allele CA8690878.

ClinVar aggregate classification (germline): Likely benign. Review status: criteria provided, multiple submitters, no conflicts (2 of 4 stars). 5 submissions from 5 submitters: Likely benign (5). Last evaluated 2025-12-02.

Conditions:
Hereditary cancer-predisposing syndrome. Also called: Tumor predisposition; Neoplastic Syndromes, Hereditary; Hereditary neoplastic syndrome; Hereditary Cancer Syndrome. Identifiers: Orphanet 140162, MedGen C0027672, MeSH D009386, MONDO:0015356.
Familial cancer of breast. Also called: BREAST CANCER, FAMILIAL; Hereditary breast cancer; hereditary breast carcinoma. Identifiers: Orphanet 227535, MedGen C0346153, MONDO:0016419, OMIM 114480. Disease mechanism: loss of function.
Fanconi anemia complementation group J. Also called: BRIP1-Related Fanconi Anemia. Identifiers: Orphanet 84, MedGen C1836860, MONDO:0012187, OMIM 609054.

Allele frequency attached by ClinVar (database versions not stated): gnomAD 0.00001; gnomAD exomes 0.00004; ExAC 0.00005; TOPMed 0.00005; 1000 Genomes Project 30x 0.00016; 1000 Genomes Project 0.00020.
gnomAD v4.1: 23 of 1,606,658 alleles (0.0014%); highest among the groups gnomAD compares: Middle Eastern, 0.017%; no homozygotes.

Submissions (5):

Labcorp Genetics (formerly Invitae), Labcorp
Classification: Likely benign for Familial cancer of breast; Fanconi anemia complementation group J. Last evaluated: 2025-12-02. Review status: criteria provided, single submitter. Criteria: Invitae Variant Classification Sherloc (09022015). Collection method: clinical testing. Allele origin: germline.

Myriad Genetics, Inc.
Classification: Likely benign for Familial cancer of breast. Last evaluated: 2024-08-21. Review status: criteria provided, single submitter. Criteria: Myriad Autosomal Dominant, Autosomal Recessive and X-Linked Classification Criteria (2023). Collection method: clinical testing. Allele origin: unknown.
Comment: This variant is considered likely benign. This variant is intronic and is not expected to impact mRNA splicing.

Blueprint Genetics
Classification: Likely benign. Last evaluated: 2024-04-10. Review status: criteria provided, single submitter. Criteria: ACMG Guidelines, 2015. Collection method: clinical testing. Allele origin: germline.

GeneDx
Classification: Likely benign. Last evaluated: 2016-09-20. Review status: criteria provided, single submitter. Criteria: GeneDx Variant Classification (06012015). Collection method: clinical testing. Allele origin: germline. Affected: yes.
Comment: This variant is considered likely benign or benign based on one or more of the following criteria: it is a conservative change, it occurs at a poorly conserved position in the protein, it is predicted to be benign by multiple in silico algorithms, and/or has population frequency not consistent with disease.

Color Diagnostics, LLC DBA Color Health
Classification: Likely benign for Hereditary cancer-predisposing syndrome. Last evaluated: 2016-09-15. Review status: criteria provided, single submitter. Criteria: ACMG Guidelines, 2015. Collection method: clinical testing. Allele origin: germline.